The following is an entry in ClinVar:

NM_003073.5(SMARCB1):c.245C>G (p.Thr82Arg)

Gene: SMARCB1 (SWI/SNF related BAF chromatin remodeling complex subunit B1; plus strand). Cytogenetic location: 22q11.23.
Variant type: single nucleotide variant.
Coding change: c.245C>G on transcript NM_003073.5 (MANE Select); coding-DNA position 245, C replaced by G.
Protein change: p.Thr82Arg; replaces threonine 82 with arginine.
Molecular consequence: missense variant.
Genome position (GRCh38, 1-based): chr22:23,793,571, C>G. VCF-style: chr22-23793571-C-G. GRCh37 (hg19) VCF-style: chr22-24135758-C-G.
Other names: c.218C>G, p.Thr73Arg (NM_001007468.3, NM_001317946.2); c.245C>G, p.Thr82Arg (NM_001362877.2); short protein forms T73R, T82R.
Identifiers: ClinVar variation 4733789 (VCV004733789.1).
Genomic context (GRCh38, chr22:23,793,571, plus strand): 5'-GTGCCACCGCCACCAGCAGAGTGACCCAGTGATGTTTGTCTGTTACAGATCACGGATACA[C>G]GACTCTAGCCACCAGTGTGACCCTGTTAAAAGCCTCGGAAGTGGAAGAGATTCTGGATGG-3'
Protein context (NP_003064.2, residues 72-92): TKPNTKDHGY[Thr82Arg]TLATSVTLLK

ClinVar aggregate classification (germline): Uncertain significance (1 of 4 stars; one submission).

Submission:

Labcorp Genetics (formerly Invitae), Labcorp
Classification: Uncertain significance. Last evaluated: 2025-12-21. Review status: criteria provided, single submitter. Criteria: Invitae Variant Classification Sherloc (09022015). Collection method: clinical testing. Allele origin: germline.
Comment: This sequence change replaces threonine, which is neutral and polar, with arginine, which is basic and polar, at codon 82 of the SMARCB1 protein (p.Thr82Arg). This variant is not present in population databases (gnomAD no frequency). This variant has not been reported in the literature in individuals affected with SMARCB1-related conditions. An algorithm developed to predict the effect of missense changes on protein structure and function (PolyPhen-2) suggests that this variant is likely to be tolerated. In summary, the available evidence is currently insufficient to determine the role of this variant in disease. Therefore, it has been classified as a Variant of Uncertain Significance.